The following is an entry in ClinVar:

NM_000059.4(BRCA2):c.6921A>G (p.Ser2307=)

Gene: BRCA2 (BRCA2 DNA repair associated; plus strand). Cytogenetic location: 13q13.1.
Variant type: single nucleotide variant.
Coding change: c.6921A>G on transcript NM_000059.4 (MANE Select); coding-DNA position 6921, A replaced by G.
Protein change: p.Ser2307=; no amino-acid change (serine 2307 retained).
Molecular consequence: synonymous variant.
Genome position (GRCh38, 1-based): chr13:32,344,637, A>G. VCF-style: chr13-32344637-A-G. GRCh37 (hg19) VCF-style: chr13-32918774-A-G.
Other names: p.S2307S:TCA>TCG; p.Ser2307=.
Identifiers: ClinVar variation 182293 (VCV000182293.39), dbSNP rs181183366, ClinGen allele CA024557.

ClinVar aggregate classification (germline): Likely benign. Review status: reviewed by expert panel (3 of 4 stars). 17 submissions from 17 submitters: Likely benign (1). 16 of the submissions do not count toward it. Last evaluated 2017-06-29.

Conditions:
Hereditary cancer-predisposing syndrome. Also called: Tumor predisposition; Neoplastic Syndromes, Hereditary; Hereditary neoplastic syndrome; Hereditary Cancer Syndrome. Identifiers: Orphanet 140162, MedGen C0027672, MeSH D009386, MONDO:0015356.
Hereditary breast ovarian cancer syndrome. Also called: Hereditary breast and ovarian cancer syndrome; Hereditary breast and ovarian cancer syndrome (HBOC); Hereditary breast and ovarian cancer; Breast and ovarian cancer; BRCA1- and BRCA2-Associated Hereditary Breast and Ovarian Cancer; Hereditary breast and/or ovarian cancer syndrome. Identifiers: Orphanet 145, MedGen C0677776, MeSH D061325, MONDO:0003582. Disease mechanism: loss of function.
Endometrial carcinoma. Also called: Endometrial carcinoma, somatic. Identifiers: MedGen C0476089, MONDO:0002447, OMIM 608089, HP:0012114.
Breast-ovarian cancer, familial, susceptibility to, 2 (BROVCA2). Also called: BRCA2 Hereditary Breast and Ovarian Cancer. Identifiers: Orphanet 145, MedGen C2675520, MONDO:0012933, OMIM 612555. Disease mechanism: loss of function.

Allele frequency attached by ClinVar (database versions not stated): ExAC 0.00002; gnomAD exomes 0.00002 and 0.00003; 1000 Genomes Project 30x 0.00016; gnomAD 0.00017 and 0.00019; TOPMed 0.00019; 1000 Genomes Project 0.00020.
gnomAD v4.1: 59 of 1,571,784 alleles (0.0038%); highest among the groups gnomAD compares: African/African-American, 0.073%; no homozygotes.

Submissions (17):

Evidence-based Network for the Interpretation of Germline Mutant Alleles (ENIGMA)
Classification: Likely benign for Breast-ovarian cancer, familial, susceptibility to, 2. Last evaluated: 2017-06-29. Review status: reviewed by expert panel. Criteria: ENIGMA BRCA1/2 Classification Criteria (2017-06-29). Collection method: curation. Allele origin: germline.
Comment: Synonymous substitution variant, with low bioinformatic likelihood to result in a splicing aberration (Splicing prior probability 0.02).

Labcorp Genetics (formerly Invitae), Labcorp
Classification: Likely benign for Hereditary breast ovarian cancer syndrome. Last evaluated: 2026-02-03. Review status: criteria provided, single submitter. Criteria: Invitae Variant Classification Sherloc (09022015). Collection method: clinical testing. Allele origin: germline. Not counted in ClinVar's aggregate classification.

Mayo Clinic Laboratories, Mayo Clinic
Classification: Likely benign. Last evaluated: 2025-06-11. Review status: criteria provided, single submitter. Criteria: ACMG Guidelines, 2015. Collection method: clinical testing. Allele origin: germline. Observed: 1 variant allele. Not counted in ClinVar's aggregate classification.
Comment: BS1, BP4, BP7

Blueprint Genetics
Classification: Likely benign. Last evaluated: 2024-11-13. Review status: criteria provided, single submitter. Criteria: ACMG Guidelines, 2015. Collection method: clinical testing. Allele origin: germline. Not counted in ClinVar's aggregate classification.

Quest Diagnostics Nichols Institute San Juan Capistrano
Classification: Benign. Last evaluated: 2022-03-16. Review status: criteria provided, single submitter. Criteria: Quest Diagnostics criteria. Collection method: clinical testing. Allele origin: unknown. Not counted in ClinVar's aggregate classification.

Sema4
Classification: Likely benign for Hereditary cancer-predisposing syndrome. Last evaluated: 2020-11-04. Review status: criteria provided, single submitter. Criteria: Sema4 Curation Guidelines. Collection method: curation. Allele origin: germline. Not counted in ClinVar's aggregate classification.

Genetic Services Laboratory, University of Chicago
Classification: Likely benign. Last evaluated: 2020-04-27. Review status: criteria provided, single submitter. Criteria: ACMG Guidelines, 2015. Collection method: clinical testing. Allele origin: germline. Affected: no. Not counted in ClinVar's aggregate classification.

ARUP Laboratories, Molecular Genetics and Genomics, ARUP Laboratories
Classification: Likely benign. Last evaluated: 2018-01-16. Review status: criteria provided, single submitter. Criteria: ARUP Molecular Germline Variant Investigation Process. Collection method: clinical testing. Allele origin: germline. Not counted in ClinVar's aggregate classification.
Comment: The BRCA2 c.6921A>G; p.Ser2307Ser variant (rs181183366) is reported in the medical literature in an individual with breast cancer (Borg 2010), but is also reported as benign or likely benign in the ClinVar database (Variation ID: 182293). The variant is listed in the Genome Aggregation Database in 15 out of 276360 alleles. This is a silent variant, the nucleotide at this position is weakly conserved across species, and computational algorithms predict this variant does not alter mRNA splicing. Considering available information, this variant is classified as likely benign. References: Borg A et al. Characterization of BRCA1 and BRCA2 deleterious mutations and variants of unknown clinical significance in unilateral and bilateral breast cancer: the WECARE study. Hum Mutat. 2010 Mar;31(3):E1200-40.

PreventionGenetics, part of Exact Sciences
Classification: Likely benign. Last evaluated: 2017-08-11. Review status: criteria provided, single submitter. Criteria: ACMG Guidelines, 2015. Collection method: clinical testing. Allele origin: germline. Not counted in ClinVar's aggregate classification.

Women's Health and Genetics/Laboratory Corporation of America, LabCorp
Classification: Likely benign. Last evaluated: 2017-04-24. Review status: criteria provided, single submitter. Criteria: LabCorp Variant Classification Summary - May 2015. Collection method: clinical testing. Allele origin: germline. Not counted in ClinVar's aggregate classification.
Comment: Variant summary: The BRCA2 c.6921A>G (p.Ser2307Ser) variant involves the alteration of a non-conserved nucleotide, resulting in a synonymous change. One in silico tool predicts a damaging outcome for this variant. 5/5 splice prediction tools predict no significant impact on normal splicing. However, these predictions have yet to be confirmed by functional studies. This variant was found in 2/116362 control chromosomes at a frequency of 0.0000172, which does not exceed the estimated maximal expected allele frequency of a pathogenic BRCA2 variant (0.0007503). This variant has been reported in a BrC patient without strong evidence for causality. In addition, five out of 6 clinical diagnostic laboratories/reputable databases classified this variant as likely benign and one lab classified it as benign, all without evidence for independent evaluation. Taken together, this variant is classified as Likely Benign.

Color Diagnostics, LLC DBA Color Health
Classification: Likely benign for Hereditary cancer-predisposing syndrome. Last evaluated: 2016-04-08. Review status: criteria provided, single submitter. Criteria: ACMG Guidelines, 2015. Collection method: clinical testing. Allele origin: germline. Not counted in ClinVar's aggregate classification.

Ambry Genetics
Classification: Likely benign for Hereditary cancer-predisposing syndrome. Last evaluated: 2014-10-14. Review status: criteria provided, single submitter. Criteria: Ambry Variant Classification Scheme 2023. Collection method: clinical testing. Allele origin: germline. Not counted in ClinVar's aggregate classification.

GeneDx
Classification: Benign. Last evaluated: 2014-09-19. Review status: criteria provided, single submitter. Criteria: GeneDx Variant Classification (06012015). Collection method: clinical testing. Allele origin: germline. Affected: yes. Not counted in ClinVar's aggregate classification.
Comment: This variant is considered likely benign or benign based on one or more of the following criteria: it is a conservative change, it occurs at a poorly conserved position in the protein, it is predicted to be benign by multiple in silico algorithms, and/or has population frequency not consistent with disease.

Counsyl
Classification: Likely benign for Breast-ovarian cancer, familial, susceptibility to, 2. Last evaluated: 2016-09-19. Review status: no assertion criteria provided. Collection method: clinical testing. Allele origin: unknown. Not counted in ClinVar's aggregate classification.

Clinical Genetics DNA and cytogenetics Diagnostics Lab, Erasmus MC, Erasmus Medical Center
Classification: Likely benign. Review status: no assertion criteria provided. Collection method: clinical testing. Allele origin: germline. Affected: yes. Study: VKGL Data-share Consensus. Not counted in ClinVar's aggregate classification.

Department of Pathology and Laboratory Medicine, Sinai Health System
Classification: Likely benign for Endometrial carcinoma. Review status: no assertion criteria provided. Collection method: clinical testing. Allele origin: unknown. Affected: yes. Study: The Canadian Open Genetics Repository (COGR). Not counted in ClinVar's aggregate classification.
Comment: The BRCA2 p.Ser2307 was identified in 1 of 4206 proband chromosomes (freq: 0.0002) from individuals with breast cancer (Borg 2010). The variant was identified in dbSNP (rs181183366) as â€šÃ„Ãºwith other alleleâ€šÃ„Ã¹, ClinVar (classified as likely benign by Invitae, Ambry Genetics, Color, Counsyl and 7 other submitters; and as benign by GeneDx), LOVD 3.0 (observed 3x) and UMD-LSDB (observed 2x). The variant was identified in control databases in 15 of 281,468 chromosomes at a frequency of 0.00005 (Genome Aggregation Database Feb 27, 2017). The variant was observed in the African population in 15 of 24,546 chromosomes (freq: 0.0006); it was not observed in the Latino, Ashkenazi Jewish, East Asian, Finnish, European, Other or South Asian populations. The p.Ser2307= variant is not expected to have clinical significance because it does not result in a change of amino acid and is not located in a known consensus splice site. The variant occurs at a non-highly conserved nucleotide outside of the splicing consensus sequence and in silico or computational prediction software programs (SpliceSiteFinder, MaxEntScan, NNSPLICE, GeneSplicer) do not predict a difference in splicing. In summary, based on the above information, the clinical significance of this variant cannot be determined with certainty at this time although we would lean towards a more benign role for this variant. This variant is classified as likely benign.

Laboratory of Diagnostic Genome Analysis, Leiden University Medical Center (LUMC)
Classification: Likely benign. Review status: no assertion criteria provided. Collection method: clinical testing. Allele origin: germline. Affected: yes. Study: VKGL Data-share Consensus. Not counted in ClinVar's aggregate classification.

Literature cited by the submitters: PubMed 20104584 (cited by 3 submitters).